The following is an entry in ClinVar:

NM_001375524.1(TRRAP):c.798G>C (p.Ala266=)

Gene: TRRAP (transformation/transcription domain associated protein; plus strand). Cytogenetic location: 7q22.1.
Variant type: single nucleotide variant.
Coding change: c.798G>C on transcript NM_001375524.1 (MANE Select); coding-DNA position 798, G replaced by C.
Protein change: p.Ala266=; no amino-acid change (alanine 266 retained).
Molecular consequence: synonymous variant.
Genome position (GRCh38, 1-based): chr7:98,899,765, G>C. VCF-style: chr7-98899765-G-C. GRCh37 (hg19) VCF-style: chr7-98497388-G-C.
Other names: c.798G>C, p.Ala266= (NM_001244580.2, NM_003496.4).
Identifiers: ClinVar variation 1924384 (VCV001924384.5), dbSNP rs372695070, ClinGen allele CA163054874.

ClinVar aggregate classification (germline): Uncertain significance (1 of 4 stars; one submission).

Allele frequency attached by ClinVar (database versions not stated): 1000 Genomes Project 30x 0.00016; 1000 Genomes Project 0.00020.
gnomAD v4.1: 5 of 1,614,032 alleles (0.00031%); highest among the groups gnomAD compares: African/African-American, 0.004%; no homozygotes.

Submission:

Labcorp Genetics (formerly Invitae), Labcorp
Classification: Uncertain significance. Last evaluated: 2022-06-14. Review status: criteria provided, single submitter. Criteria: Invitae Variant Classification Sherloc (09022015). Collection method: clinical testing. Allele origin: germline.
Comment: This sequence change affects codon 266 of the TRRAP mRNA. It is a 'silent' change, meaning that it does not change the encoded amino acid sequence of the TRRAP protein. This variant is not present in population databases (gnomAD no frequency). This variant has not been reported in the literature in individuals affected with TRRAP-related conditions. Algorithms developed to predict the effect of sequence changes on RNA splicing suggest that this variant may disrupt the consensus splice site. In summary, the available evidence is currently insufficient to determine the role of this variant in disease. Therefore, it has been classified as a Variant of Uncertain Significance.